The following is an entry in ClinVar:

NM_002317.7(LOX):c.1232G>C (p.Gly411Ala)

Genes: LOX (lysyl oxidase; minus strand), SRFBP1 (serum response factor binding protein 1; plus strand). Cytogenetic location: 5q23.1.
Variant type: single nucleotide variant.
Coding change: c.1232G>C on transcript NM_002317.7 (MANE Select); coding-DNA position 1232, G replaced by C.
Protein change: p.Gly411Ala; replaces glycine 411 with alanine.
Molecular consequence: missense variant.
Genome position (GRCh38, 1-based): chr5:122,070,068, C>G on the plus strand (G>C on the coding strand, the complement: LOX is on the minus strand). VCF-style: chr5-122070068-C-G. GRCh37 (hg19) VCF-style: chr5-121405763-C-G.
Other names: c.542G>C, p.Gly181Ala (NM_001178102.2); c.341G>C, p.Gly114Ala (NM_001317073.1); c.1232G>C (NM_002317.5); short protein forms G181A, G114A, G411A.
Identifiers: ClinVar variation 2873468 (VCV002873468.4), dbSNP rs186028768, ClinGen allele CA3383811.

ClinVar aggregate classification (germline): Uncertain significance. Review status: criteria provided, multiple submitters, no conflicts (2 of 4 stars). 2 submissions from 2 submitters: Uncertain significance (2). Last evaluated 2026-06-12.

Conditions:
Cardiovascular phenotype. Identifiers: MedGen CN230736.

gnomAD v4.1: 5 of 1,611,030 alleles (0.00031%); highest among the groups gnomAD compares: South Asian, 0.0033%; no homozygotes.

Submissions (2):

Ambry Genetics
Classification: Uncertain significance for Cardiovascular phenotype. Last evaluated: 2026-06-12. Review status: criteria provided, single submitter. Criteria: Ambry Variant Classification Scheme 2023. Collection method: clinical testing. Allele origin: germline.
Comment: The p.G411A variant (also known as c.1232G>C), located in coding exon 6 of the LOX gene, results from a G to C substitution at nucleotide position 1232. The glycine at codon 411 is replaced by alanine, an amino acid with similar properties. This amino acid position is conserved. In addition, this alteration is predicted to be tolerated by in silico analysis. Based on the available evidence, the clinical significance of this variant remains unclear.

Labcorp Genetics (formerly Invitae), Labcorp
Classification: Uncertain significance. Last evaluated: 2023-07-13. Review status: criteria provided, single submitter. Criteria: Invitae Variant Classification Sherloc (09022015). Collection method: clinical testing. Allele origin: germline.
Comment: In summary, the available evidence is currently insufficient to determine the role of this variant in disease. Therefore, it has been classified as a Variant of Uncertain Significance. Advanced modeling of protein sequence and biophysical properties (such as structural, functional, and spatial information, amino acid conservation, physicochemical variation, residue mobility, and thermodynamic stability) has been performed at Invitae for this missense variant, however the output from this modeling did not meet the statistical confidence thresholds required to predict the impact of this variant on LOX protein function. This variant has not been reported in the literature in individuals affected with LOX-related conditions. This variant is present in population databases (rs186028768, gnomAD 0.003%). This sequence change replaces glycine, which is neutral and non-polar, with alanine, which is neutral and non-polar, at codon 411 of the LOX protein (p.Gly411Ala).